The following is an entry in ClinVar:

NM_007294.4(BRCA1):c.1499A>G (p.Asn500Ser)

Gene: BRCA1 (BRCA1 DNA repair associated; minus strand). Cytogenetic location: 17q21.31.
Variant type: single nucleotide variant.
Coding change: c.1499A>G on transcript NM_007294.4 (MANE Select); coding-DNA position 1499, A replaced by G.
Protein change: p.Asn500Ser; replaces asparagine 500 with serine.
Molecular consequence: missense variant. On other transcripts: intron variant (137).
Genome position (GRCh38, 1-based): chr17:43,094,032, T>C on the plus strand (A>G on the coding strand, the complement: BRCA1 is on the minus strand). VCF-style: chr17-43094032-T-C. GRCh37 (hg19) VCF-style: chr17-41246049-T-C.
Other names: c.1496A>G, p.Asn499Ser (NM_001407630.1, NM_001407636.1, NM_001407631.1 and 22 more transcripts); c.406+712A>G (NM_001408510.1); c.643+712A>G (NM_001408470.1, NM_001408464.1, NM_001408468.1 and 3 more transcripts); c.646+712A>G (NM_001408453.1, NM_001408461.1, NM_001408469.1 and 11 more transcripts); c.784+712A>G (NM_001408397.1, NM_001408400.1, NM_001408392.1 and 13 more transcripts); c.664+712A>G (NM_001408436.1, NM_001408441.1, NM_001408437.1 and 12 more transcripts); c.787+712A>G (NM_001407980.1, NM_001407979.1, NM_001407977.1 and 19 more transcripts); c.577+712A>G (NM_001408514.1, NM_001408485.1, NM_001408483.1 and 9 more transcripts); and 40 more; short protein forms N500S, N453S, N204S, N332S, N389S, N458S, N474S, N373S.
Identifiers: ClinVar variation 489708 (VCV000489708.7), dbSNP rs1555591677, ClinGen allele CA10599049.

ClinVar aggregate classification (germline): Conflicting classifications of pathogenicity. Review status: criteria provided, conflicting classifications (1 of 4 stars). 2 submissions from 2 submitters: Uncertain significance (1); Likely benign (1). Last evaluated 2023-03-23.

Conditions:
Hereditary cancer-predisposing syndrome. Also called: Hereditary Cancer Syndrome; Neoplastic Syndromes, Hereditary; Tumor predisposition; Hereditary neoplastic syndrome. Identifiers: Orphanet 140162, MedGen C0027672, MeSH D009386, MONDO:0015356.

Allele frequency attached by ClinVar (database versions not stated): gnomAD exomes below 0.00001.
gnomAD v4.1: 2 of 1,614,078 alleles (0.00012%); highest among the groups gnomAD compares: Non-Finnish European, 0.00017%; no homozygotes.

Submissions (2):

University of Washington Department of Laboratory Medicine, University of Washington
Classification: Likely benign for Hereditary cancer-predisposing syndrome. Last evaluated: 2023-03-23. Review status: criteria provided, single submitter. Criteria: Dines et al. (Genet Med. 2020). Collection method: curation. Allele origin: germline.
Comment: Missense variant in a coldspot region where missense variants are very unlikely to be pathogenic (PMID:31911673).

BRCA1 coldspot (exon 11 using historical exon numbering). Reclassification based on statistical prior probability

Color Diagnostics, LLC DBA Color Health
Classification: Uncertain significance for Hereditary cancer-predisposing syndrome. Last evaluated: 2019-03-15. Review status: criteria provided, single submitter. Criteria: ACMG Guidelines, 2015. Collection method: clinical testing. Allele origin: germline.